The following is an entry in ClinVar:

ClinVar aggregate classification (germline): Uncertain significance. Review status: criteria provided, multiple submitters, no conflicts (2 of 4 stars). 8 submissions from 8 submitters: Uncertain significance (8). Last evaluated 2026-02-01.

Conditions:
Cardiovascular phenotype. Identifiers: MedGen CN230736.
Cardiomyopathy (CMYO). Also called: Cardiomyopathies. Identifiers: Orphanet 167848, MedGen C0878544, MONDO:0004994, HP:0001638. Inheritance: Various modes of inheritance.
Congenital myopathy with fiber type disproportion. Also called: Congenital fiber-type disproportion; Congenital fiber-type disproportion myopathy. Identifiers: Orphanet 2020, MedGen C0546264, MONDO:0009711. Inheritance: all.
Hypertrophic cardiomyopathy. Also called: HYPERTROPHIC MYOCARDIOPATHY. Identifiers: Orphanet 217569, MedGen C0007194, MeSH D002312, MONDO:0005045, HP:0001639.

Allele frequency attached by ClinVar (database versions not stated): gnomAD 0.00001; ExAC 0.00002; gnomAD exomes 0.00002 and 0.00001; TOPMed 0.00001.
gnomAD v4.1: 29 of 1,614,060 alleles (0.0018%); highest among the groups gnomAD compares: Non-Finnish European, 0.0024%; no homozygotes.

Submissions (8):

Labcorp Genetics (formerly Invitae), Labcorp
Classification: Uncertain significance for Hypertrophic cardiomyopathy. Last evaluated: 2026-02-01. Review status: criteria provided, single submitter. Criteria: Invitae Variant Classification Sherloc (09022015). Collection method: clinical testing. Allele origin: germline.
Comment: This sequence change replaces glutamic acid, which is acidic and polar, with lysine, which is basic and polar, at codon 1286 of the MYH7 protein (p.Glu1286Lys). This variant is present in population databases (rs397516196, gnomAD 0.003%). This missense change has been observed in individuals with dilated cardiomyopathy (PMID: 22464770, 27532257, 31983221, 37652022). ClinVar contains an entry for this variant (Variation ID: 42978). An algorithm developed to predict the effect of missense changes on protein structure and function (PolyPhen-2) suggests that this variant is likely to be disruptive. In summary, the available evidence is currently insufficient to determine the role of this variant in disease. Therefore, it has been classified as a Variant of Uncertain Significance.

Color Diagnostics, LLC DBA Color Health
Classification: Uncertain significance for Cardiomyopathy. Last evaluated: 2025-06-02. Review status: criteria provided, single submitter. Criteria: ACMG Guidelines, 2015. Collection method: clinical testing. Allele origin: germline.
Comment: This missense variant replaces glutamic acid with lysine at codon 1286 of the MYH7 protein. Computational prediction suggests that this variant may have a deleterious impact on protein structure and function. To our knowledge, functional studies have not been reported for this variant. This variant has been reported in several individuals affected with dilated cardiomyopathy (PMID: 22464770, 27532257, 31983221, 37904629). This variant has been identified in 3/251488 chromosomes in the general population by the Genome Aggregation Database (gnomAD). The available evidence is insufficient to determine the role of this variant in disease conclusively. Therefore, this variant is classified as a Variant of Uncertain Significance.

Molecular Diagnostic Laboratory for Inherited Cardiovascular Disease, Montreal Heart Institute
Classification: Uncertain significance for Cardiovascular phenotype. Last evaluated: 2025-04-09. Review status: criteria provided, single submitter. Criteria: ACMG Guidelines, 2015. Collection method: clinical testing. Allele origin: germline. Affected: yes.
Comment: PM2, PS4_supp, PP3

All of Us Research Program, National Institutes of Health
Classification: Uncertain significance for Cardiomyopathy. Last evaluated: 2024-02-05. Review status: criteria provided, single submitter. Criteria: ACMG Guidelines, 2015. Collection method: clinical testing. Allele origin: germline. Inheritance: Autosomal dominant inheritance. Observed: 5 variant alleles, 5 heterozygotes.
Comment: This missense variant replaces glutamic acid with lysine at codon 1286 of the MYH7 protein. Computational prediction suggests that this variant may have a deleterious impact on protein structure and function (internally defined REVEL score threshold >= 0.7, PMID: 27666373). To our knowledge, functional studies have not been reported for this variant. This variant has been reported in individuals affected with dilated cardiomyopathy (PMID: 22464770, 27532257, 31983221). This variant has been identified in 3/251488 chromosomes in the general population by the Genome Aggregation Database (gnomAD). The available evidence is insufficient to determine the role of this variant in disease conclusively. Therefore, this variant is classified as a Variant of Uncertain Significance.

This study involves interpretation of variants in research participants for the purpose of population health screening. Participant phenotype was not available at the time of variant classification. Additional details can be found in publication PMID: 35346344, PMCID: PMC8962531

Ambry Genetics
Classification: Uncertain significance for Cardiovascular phenotype. Last evaluated: 2024-01-24. Review status: criteria provided, single submitter. Criteria: Ambry Variant Classification Scheme 2023. Collection method: clinical testing. Allele origin: germline.
Comment: The p.E1286K variant (also known as c.3856G>A), located in coding exon 27 of the MYH7 gene, results from a G to A substitution at nucleotide position 3856. The glutamic acid at codon 1286 is replaced by lysine, an amino acid with similar properties. This alteration has been reported in dilated cardiomyopathy (DCM) cohorts; however, clinical details were limited (Walsh R et al. Genet Med, 2017 Feb;19:192-203; Perret C et al. Clin Genet, 2024 Feb;105:185-189). This amino acid position is highly conserved in available vertebrate species. In addition, this alteration is predicted to be deleterious by in silico analysis. Based on the available evidence, the clinical significance of this alteration remains unclear.

Revvity Omics, Revvity
Classification: Uncertain significance. Last evaluated: 2021-10-26. Review status: criteria provided, single submitter. Criteria: ACMG Guidelines, 2015. Collection method: clinical testing. Allele origin: germline.

Laboratory for Molecular Medicine, Mass General Brigham Personalized Medicine
Classification: Uncertain significance. Last evaluated: 2020-04-19. Review status: criteria provided, single submitter. Criteria: LMM Criteria. Collection method: clinical testing. Allele origin: germline. Observed: 5 variant alleles.
Comment: The Glu1286Lys variant in MYH7 has been reported in two young children with dilated cardiomyopathy (DCM), one of whom carried another variant that likely contributed to disease severity (Lakdawala 2012 PMID:22464770, Walsh 2017 PMID:27532257, LMM data). This variant has also been reported by another clinical laboratory in ClinVar (Variation ID: 42978) and has been identified in 0.003% (3/113766) of European chromosomes in gnomAD. Computational prediction tools and conservation analyses suggest that this variant may impact the protein, though this information is not predictive enough to determine pathogenicity. In summary, the clinical significance of this variant is uncertain. ACMG/AMP Criteria applied: PS4_Supporting, PM2, PP3.

Centre for Mendelian Genomics, University Medical Centre Ljubljana
Classification: Uncertain significance for Congenital myopathy 4A, autosomal dominant. Last evaluated: 2020-01-20. Review status: criteria provided, single submitter. Criteria: ACMG Guidelines, 2015. Collection method: clinical testing. Allele origin: unknown. Affected: yes.
Comment: This variant was classified as: Uncertain significance. The available evidence on this variant's pathogenicity is insufficient or conflicting. The following ACMG criteria were applied in classifying this variant: PP2,PP3.

Literature cited by the submitters: PubMed 22464770 (cited by 5 submitters); PubMed 27532257 (cited by 5 submitters); PubMed 31983221 (cited by 3 submitters); PubMed 37652022 (cited by Labcorp Genetics (formerly Invitae), Labcorp); PubMed 37904629 (cited by Color Diagnostics, LLC DBA Color Health and Ambry Genetics).

NM_000257.4(MYH7):c.3856G>A (p.Glu1286Lys)

Gene: MYH7 (myosin heavy chain 7; minus strand). Cytogenetic location: 14q11.2.
Variant type: single nucleotide variant.
Coding change: c.3856G>A on transcript NM_000257.4 (MANE Select); coding-DNA position 3856, G replaced by A.
Protein change: p.Glu1286Lys; replaces glutamic acid 1286 with lysine.
Molecular consequence: missense variant.
Genome position (GRCh38, 1-based): chr14:23,419,293, C>T on the plus strand (G>A on the coding strand, the complement: MYH7 is on the minus strand). VCF-style: chr14-23419293-C-T. GRCh37 (hg19) VCF-style: chr14-23888502-C-T.
Other names: short protein forms E1286K.
Identifiers: ClinVar variation 42978 (VCV000042978.25), dbSNP rs397516196, ClinGen allele CA014172.